The following is an entry in ClinVar:

NM_001278293.3(ARL6):c.479+3A>G

Gene: ARL6 (ARF like GTPase 6; plus strand). Cytogenetic location: 3q11.2.
Variant type: single nucleotide variant.
Coding change: c.479+3A>G on transcript NM_001278293.3 (MANE Select); 3 bases into the intron after coding-DNA position 479, A replaced by G.
Molecular consequence: intron variant.
Genome position (GRCh38, 1-based): chr3:97,788,122, A>G. VCF-style: chr3-97788122-A-G. GRCh37 (hg19) VCF-style: chr3-97506966-A-G.
Other names: c.479+3A>G (NM_032146.5, NM_177976.3, NM_001323513.2 and 1 more transcripts).
Identifiers: ClinVar variation 4994920 (VCV004994920.1).
Genomic context (GRCh38, chr3:97,788,122, plus strand): 5'-TAAAAGTGTCTCAGTTGCTGTGTTTAGAGAACATCAAAGATAAACCCTGGCATATTTGGT[A>G]AAGTTTTATATTTACTTTTCACTGTAGCTTTCTGAAAAATATACAAGCTTCAGAGTTGTT-3'

ClinVar aggregate classification (germline): Uncertain significance (1 of 4 stars; one submission).

Conditions:
ARL6-related disorder. Also called: ARL6-related condition.

Submission:

PreventionGenetics, part of Exact Sciences
Classification: Uncertain significance for ARL6-related condition. Last evaluated: 2026-02-06. Review status: criteria provided, single submitter. Criteria: ACMG Guidelines, 2015. Collection method: clinical testing. Allele origin: germline.
Comment: The ARL6 c.479+3A>G variant is predicted to interfere with splicing. This variant is predicted to alter splicing based on available splicing prediction programs (SpliceAI, Jaganathan et al. 2019. PubMed ID: 30661751). However, the use of computer prediction programs is not equivalent to functional evidence. To our knowledge, this variant has not been reported in the literature or in a large population database (gnomAD), indicating this variant is rare. At this time, the clinical significance of this variant is uncertain due to the absence of conclusive functional and genetic evidence.